The following is an entry in ClinVar:

NM_001130004.2(ACTN1):c.2353G>A (p.Asp785Asn)

Gene: ACTN1 (actinin alpha 1; minus strand). Cytogenetic location: 14q24.1.
Variant type: single nucleotide variant.
Coding change: c.2353G>A on transcript NM_001130004.2 (MANE Select); coding-DNA position 2353, G replaced by A.
Protein change: p.Asp785Asn; replaces aspartic acid 785 with asparagine.
Molecular consequence: missense variant. On other transcripts: intron variant (8).
Genome position (GRCh38, 1-based): chr14:68,878,997, C>T on the plus strand (G>A on the coding strand, the complement: ACTN1 is on the minus strand). VCF-style: chr14-68878997-C-T. GRCh37 (hg19) VCF-style: chr14-69345714-C-T.
Other names: c.2353G>A, p.Asp785Asn (NM_001102.4, NM_001424012.1); c.2158G>A, p.Asp720Asn (NM_001411036.1, NM_001424026.1); c.2479G>A, p.Asp827Asn (NM_001424013.1); c.2440G>A, p.Asp814Asn (NM_001424015.1); c.2377G>A, p.Asp793Asn (NM_001424016.1); c.2350G>A, p.Asp784Asn (NM_001424017.1); c.2314G>A, p.Asp772Asn (NM_001424018.1); c.2170G>A, p.Asp724Asn (NM_001424019.1, NM_001424024.1, NM_001424025.1); and 10 more; short protein forms D510N, D720N, D784N, D762N, D814N, D724N, D764N, D793N.
Identifiers: ClinVar variation 4737646 (VCV004737646.1).
Genomic context (GRCh38, chr14:68,878,997, plus strand): 5'-TTTCTTGCCCCAGACGCCACCCCTGAGCGTGCTCCATGCAGGAGGCGAGTACCTGGGGGT[C>T]GTTGCCAATATCATAACCCAAGCTGATGAGGCAGGCTTTGAACTCCTCGGGACCCAGTGT-3'
Protein context (NP_001123476.1, residues 775-795): LISLGYDIGN[Asp785Asn]PQKKTGMMDT

ClinVar aggregate classification (germline): Uncertain significance (1 of 4 stars; one submission).

gnomAD v4.1: 70 of 1,613,060 alleles (0.0043%); highest among the groups gnomAD compares: East Asian, 0.013%; no homozygotes.

Submission:

Labcorp Genetics (formerly Invitae), Labcorp
Classification: Uncertain significance. Last evaluated: 2025-08-13. Review status: criteria provided, single submitter. Criteria: Invitae Variant Classification Sherloc (09022015). Collection method: clinical testing. Allele origin: germline.
Comment: This sequence change replaces aspartic acid, which is acidic and polar, with asparagine, which is neutral and polar, at codon 785 of the ACTN1 protein (p.Asp785Asn). This variant is present in population databases (rs555344398, gnomAD 0.006%). This missense change has been observed in individual(s) with thrombocytopenia (PMID: 30124235). An algorithm developed to predict the effect of missense changes on protein structure and function (PolyPhen-2) suggests that this variant is likely to be tolerated. In summary, the available evidence is currently insufficient to determine the role of this variant in disease. Therefore, it has been classified as a Variant of Uncertain Significance.

Literature cited by the submitters: PubMed 30124235.